The following is an entry in ClinVar:

ClinVar aggregate classification (germline): Conflicting classifications of pathogenicity. Review status: criteria provided, conflicting classifications (1 of 4 stars). 6 submissions from 6 submitters: Pathogenic (1); Likely pathogenic (1); Uncertain significance (3). 1 of the submissions does not count toward it. Last evaluated 2026-09-16.

Conditions:
Distal 16p11.2 microdeletion syndrome. Also called: BODY MASS INDEX QUANTITATIVE TRAIT LOCUS 16; Chromosome 16p11.2 deletion syndrome, 220 kb. Identifiers: Orphanet 261222, MedGen C3150701, MONDO:0013267, OMIM 613444.
Premature ovarian insufficiency (POF). Also called: Premature ovarian failure. Identifiers: MedGen C4303540, HP:0008209.
SH2B1-related disorder. Also called: SH2B1-related condition.

Allele frequency attached by ClinVar (database versions not stated): gnomAD 0.00039 and 0.00042; ESP Exome Variant Server 0.00031; ExAC 0.00031; TOPMed 0.00049; gnomAD exomes 0.00015 and 0.00031.
gnomAD v4.1: 284 of 1,614,100 alleles (0.018%); highest among the groups gnomAD compares: Admixed American, 0.11%; 3 homozygotes.

Submissions (6):

PreventionGenetics, part of Exact Sciences
Classification: Uncertain significance for SH2B1-related condition. Last evaluated: 2026-09-16. Review status: criteria provided, single submitter. Criteria: ACMG Guidelines, 2015. Collection method: clinical testing. Allele origin: germline.
Comment: The SH2B1 c.1846T>C variant is predicted to result in the amino acid substitution p.Ser616Pro. This variant has been reported in an individual with obesity (Flores et al. 2019. PubMed ID: 31439647). This variant was also documented in a study of obese and lean individuals, however the c.1846T>C variant was only detected in a lean individual (Aerts et al. 2015. PubMed ID: 26031769). In addition, the expression of the allele in response to insulin or leptin cell stimulation utilizing mouse hypothalamic cell was analyzed and it was determined that the c.1846T>C variant affected the expression of genes involved in leptin signaling (Giuranna et al. 2018. PubMed ID: 29631267). This variant was also found to decrease neurite outgrowth in a cell culture model (Flores et al. 2019. PubMed ID: 31439647, Figure 1B). This variant is reported in 0.087% of alleles in individuals of Ashkenazi Jewish descent in gnomAD, including 2 homozygotes. Although we suspect this variant may be benign, at this time, the clinical significance of this variant is uncertain.

GeneDx
Classification: Uncertain significance. Last evaluated: 2024-02-22. Review status: criteria provided, single submitter. Criteria: GeneDx Variant Classification Process June 2021. Collection method: clinical testing. Allele origin: germline. Affected: yes.
Comment: Reported in a patient with severe obesity in childhood and in an individual with primary ovarian insufficiency (PMID: 31439647, 34480478); In silico analysis supports that this missense variant has a deleterious effect on protein structure/function; This variant is associated with the following publications: (PMID: 34480478, 31439647, 29631267)

Labcorp Genetics (formerly Invitae), Labcorp
Classification: Uncertain significance. Last evaluated: 2023-09-11. Review status: criteria provided, single submitter. Criteria: Invitae Variant Classification Sherloc (09022015). Collection method: clinical testing. Allele origin: germline.
Comment: In summary, the available evidence is currently insufficient to determine the role of this variant in disease. Therefore, it has been classified as a Variant of Uncertain Significance. Experimental studies have shown that this missense change affects SH2B1 function (PMID: 29631267, 31439647). Algorithms developed to predict the effect of missense changes on protein structure and function output the following: SIFT: "Not Available"; PolyPhen-2: "Benign"; Align-GVGD: "Not Available". The proline amino acid residue is found in multiple mammalian species, which suggests that this missense change does not adversely affect protein function. ClinVar contains an entry for this variant (Variation ID: 929780). This missense change has been observed in individual(s) with obesity (PMID: 31439647). This variant is present in population databases (rs142515048, gnomAD 0.08%), and has an allele count higher than expected for a pathogenic variant. This sequence change replaces serine, which is neutral and polar, with proline, which is neutral and non-polar, at codon 616 of the SH2B1 protein (p.Ser616Pro).

Mendelics
Classification: Pathogenic for Distal 16p11.2 microdeletion syndrome. Last evaluated: 2022-05-04. Review status: criteria provided, single submitter. Criteria: Mendelics Assertion Criteria 2019. Collection method: clinical testing. Allele origin: germline.

Medical Cytogenetics and Molecular Genetics Laboratory, IRCCS Istituto Auxologico Italiano
Classification: Likely pathogenic for Premature ovarian failure. Last evaluated: 2020-03-02. Review status: criteria provided, single submitter. Criteria: ACMG Guidelines, 2015. Collection method: research. Allele origin: germline. Affected: yes. Observed: 1 variant allele.

Genetics and Genomic Medicine Centre, NeuroGen Healthcare, NeuroGen Healthcare
Classification: Uncertain significance. Last evaluated: 2021-05-28. Review status: no assertion criteria provided. Collection method: clinical testing. Allele origin: unknown. Affected: yes. Not counted in ClinVar's aggregate classification.

Literature cited by the submitters: PubMed 29631267 (cited by Labcorp Genetics (formerly Invitae), Labcorp); PubMed 31439647 (cited by Labcorp Genetics (formerly Invitae), Labcorp).

NM_001387430.1(SH2B1):c.1846T>C (p.Ser616Pro)

Gene: SH2B1 (SH2B adaptor protein 1; plus strand). Cytogenetic location: 16p11.2.
Variant type: single nucleotide variant.
Coding change: c.1846T>C on transcript NM_001387430.1 (MANE Select); coding-DNA position 1846, T replaced by C.
Protein change: p.Ser616Pro; replaces serine 616 with proline.
Molecular consequence: missense variant.
Genome position (GRCh38, 1-based): chr16:28,872,654, T>C. VCF-style: chr16-28872654-T-C. GRCh37 (hg19) VCF-style: chr16-28883975-T-C.
Other names: c.1846T>C, p.Ser616Pro (NM_001145795.2, NM_001145796.2, NM_001145797.2 and 4 more transcripts); c.838T>C, p.Ser280Pro (NM_001308294.2); c.1846T>C (NM_001145795.1); short protein forms S280P, S616P.
Identifiers: ClinVar variation 929780 (VCV000929780.10), dbSNP rs142515048, ClinGen allele CA7986307.